The following is an entry in ClinVar:

NM_001110556.2(FLNA):c.3925G>A (p.Val1309Ile)

Gene: FLNA (filamin A; minus strand). Cytogenetic location: Xq28.
Variant type: single nucleotide variant.
Coding change: c.3925G>A on transcript NM_001110556.2 (MANE Select); coding-DNA position 3925, G replaced by A.
Protein change: p.Val1309Ile; replaces valine 1309 with isoleucine.
Molecular consequence: missense variant.
Genome position (GRCh38, 1-based): chrX:154,359,786, C>T on the plus strand (G>A on the coding strand, the complement: FLNA is on the minus strand). VCF-style: chrX-154359786-C-T. GRCh37 (hg19) VCF-style: chrX-153588154-C-T.
Other names: c.3925G>A, p.Val1309Ile (NM_001456.4); short protein forms V1309I.
Identifiers: ClinVar variation 547384 (VCV000547384.12), dbSNP rs782412141, ClinGen allele CA10560637.

ClinVar aggregate classification (germline): Conflicting classifications of pathogenicity. Review status: criteria provided, conflicting classifications (1 of 4 stars). 3 submissions from 3 submitters: Uncertain significance (1); Likely benign (2). Last evaluated 2024-04-10.

Conditions:
Melnick-Needles syndrome (MNS). Also called: MELNICK-NEEDLES OSTEODYSPLASTY; OSTEODYSPLASTY OF MELNICK AND NEEDLES; Melnick-Needles Syndrome (FLNA-MNS). Identifiers: Orphanet 2484, MedGen C0025237, MONDO:0010650, OMIM 309350.
Frontometaphyseal dysplasia (FMD1). Identifiers: Orphanet 1826, MedGen C0265293, MONDO:0015942.
Heterotopia, periventricular, X-linked dominant (PVNH1). Also called: PERIVENTRICULAR NODULAR HETEROTOPIA 1; X-linked periventricular heterotopia; PERIVENTRICULAR NODULAR HETEROTOPIA 4; HETEROTOPIA, PERIVENTRICULAR, 1. Identifiers: Orphanet 2149, Orphanet 82004, MedGen C1848213, MONDO:0010233, OMIM 300049.
Oto-palato-digital syndrome, type II (OPD2). Also called: FACIOPALATOOSSEOUS SYNDROME; Otopalatodigital Syndrome, Type II; OPD II SYNDROME; Otopalatodigital Syndrome Type 2 (FLNA-OPD2). Identifiers: Orphanet 669, Orphanet 90652, MedGen C1844696, MONDO:0010571, OMIM 304120.
Connective tissue disorder. Also called: Connective tissue disease. Identifiers: MedGen C0009782, MONDO:0003900.
Familial thoracic aortic aneurysm and aortic dissection (TAAD). Also called: Thoracic aortic aneurysms and dissections. Identifiers: Orphanet 91387, MedGen C4707243, MONDO:0019625.

Allele frequency attached by ClinVar (database versions not stated): gnomAD exomes below 0.00001 and 0.00001; TOPMed below 0.00001; ExAC 0.00001; gnomAD 0.00001.
gnomAD v4.1: 5 of 1,209,238 alleles (0.00041%); highest among the groups gnomAD compares: South Asian, 0.0018%; no homozygotes.

Submissions (3):

Labcorp Genetics (formerly Invitae), Labcorp
Classification: Likely benign for Oto-palato-digital syndrome, type II; Heterotopia, periventricular, X-linked dominant; Frontometaphyseal dysplasia; Melnick-Needles syndrome. Last evaluated: 2024-04-10. Review status: criteria provided, single submitter. Criteria: Invitae Variant Classification Sherloc (09022015). Collection method: clinical testing. Allele origin: germline.

Ambry Genetics
Classification: Uncertain significance for Familial thoracic aortic aneurysm and aortic dissection. Last evaluated: 2017-11-29. Review status: criteria provided, single submitter. Criteria: Ambry Variant Classification Scheme 2023. Collection method: clinical testing. Allele origin: germline.
Comment: The p.V1309I variant (also known as c.3925G>A), located in coding exon 22 of the FLNA gene, results from a G to A substitution at nucleotide position 3925. The valine at codon 1309 is replaced by isoleucine, an amino acid with highly similar properties. This amino acid position is not well conserved in available vertebrate species, and isoleucine is the reference amino acid in other vertebrate species. In addition, this alteration is predicted to be tolerated by in silico analysis. Since supporting evidence is limited at this time, the clinical significance of this alteration remains unclear.

Center for Human Genetics, Inc
Classification: Likely benign for Connective tissue disorder. Last evaluated: 2016-11-01. Review status: criteria provided, single submitter. Criteria: ACMG Guidelines, 2015. Collection method: clinical testing. Allele origin: germline. Affected: yes.